The following is an entry in ClinVar:

NM_144499.3(GNAT1):c.835C>G (p.Leu279Val)

Gene: GNAT1 (G protein subunit alpha transducin 1; plus strand). Cytogenetic location: 3p21.31.
Variant type: single nucleotide variant.
Coding change: c.835C>G on transcript NM_144499.3 (MANE Select); coding-DNA position 835, C replaced by G.
Protein change: p.Leu279Val; replaces leucine 279 with valine.
Molecular consequence: missense variant.
Genome position (GRCh38, 1-based): chr3:50,194,627, C>G. VCF-style: chr3-50194627-C-G. GRCh37 (hg19) VCF-style: chr3-50232060-C-G.
Other names: c.835C>G, p.Leu279Val (NM_000172.4); short protein forms L279V.
Identifiers: ClinVar variation 4745844 (VCV004745844.1).

ClinVar aggregate classification (germline): Uncertain significance (1 of 4 stars; one submission).

Submission:

Labcorp Genetics (formerly Invitae), Labcorp
Classification: Uncertain significance. Last evaluated: 2025-06-23. Review status: criteria provided, single submitter. Criteria: Invitae Variant Classification Sherloc (09022015). Collection method: clinical testing. Allele origin: germline.
Comment: This sequence change replaces leucine, which is neutral and non-polar, with valine, which is neutral and non-polar, at codon 279 of the GNAT1 protein (p.Leu279Val). This variant is not present in population databases (gnomAD no frequency). This variant has not been reported in the literature in individuals affected with GNAT1-related conditions. Invitae Evidence Modeling of protein sequence and biophysical properties (such as structural, functional, and spatial information, amino acid conservation, physicochemical variation, residue mobility, and thermodynamic stability) indicates that this missense variant is not expected to disrupt GNAT1 protein function with a negative predictive value of 80%. In summary, the available evidence is currently insufficient to determine the role of this variant in disease. Therefore, it has been classified as a Variant of Uncertain Significance.